The following is an entry in ClinVar:

NM_001371986.1(UNC80):c.9866A>G (p.His3289Arg)

Gene: UNC80 (unc-80 homolog, NALCN channel complex subunit; plus strand). Cytogenetic location: 2q34.
Variant type: single nucleotide variant.
Coding change: c.9866A>G on transcript NM_001371986.1 (MANE Select); coding-DNA position 9866, A replaced by G.
Protein change: p.His3289Arg; replaces histidine 3289 with arginine.
Molecular consequence: missense variant.
Genome position (GRCh38, 1-based): chr2:209,995,486, A>G. VCF-style: chr2-209995486-A-G. GRCh37 (hg19) VCF-style: chr2-210860210-A-G.
Other names: c.9668A>G, p.His3223Arg (NM_032504.2); c.9596A>G, p.His3199Arg (NM_182587.4); c.9668A>G (NM_032504.1); short protein forms H3223R, H3199R, H3289R.
Identifiers: ClinVar variation 1405561 (VCV001405561.7), dbSNP rs1056287236, ClinGen allele CA64666044.

ClinVar aggregate classification (germline): Uncertain significance. Review status: criteria provided, multiple submitters, no conflicts (2 of 4 stars). 2 submissions from 2 submitters: Uncertain significance (2). Last evaluated 2024-05-13.

Conditions:
Inborn genetic diseases. Identifiers: MedGen C0950123, MeSH D030342.

Allele frequency attached by ClinVar (database versions not stated): gnomAD 0.00003; gnomAD exomes 0.00009; TOPMed 0.00006.
gnomAD v4.1: 14 of 1,551,736 alleles (0.0009%); highest among the groups gnomAD compares: East Asian, 0.027%; no homozygotes.

Submissions (2):

Ambry Genetics
Classification: Uncertain significance for Inborn genetic diseases. Last evaluated: 2024-05-13. Review status: criteria provided, single submitter. Criteria: Ambry Variant Classification Scheme 2023. Collection method: clinical testing. Allele origin: germline.

Labcorp Genetics (formerly Invitae), Labcorp
Classification: Uncertain significance. Last evaluated: 2022-06-13. Review status: criteria provided, single submitter. Criteria: Invitae Variant Classification Sherloc (09022015). Collection method: clinical testing. Allele origin: germline.
Comment: This sequence change replaces histidine, which is basic and polar, with arginine, which is basic and polar, at codon 3223 of the UNC80 protein (p.His3223Arg). This variant is present in population databases (no rsID available, gnomAD 0.1%). This variant has not been reported in the literature in individuals affected with UNC80-related conditions. Algorithms developed to predict the effect of missense changes on protein structure and function are either unavailable or do not agree on the potential impact of this missense change (SIFT: "Not Available"; PolyPhen-2: "Benign"; Align-GVGD: "Not Available"). In summary, the available evidence is currently insufficient to determine the role of this variant in disease. Therefore, it has been classified as a Variant of Uncertain Significance.